The following is an entry in ClinVar:

ClinVar aggregate classification (germline): Benign/Likely benign. Review status: criteria provided, multiple submitters, no conflicts (2 of 4 stars). 3 submissions from 3 submitters: Benign (1); Likely benign (2). Last evaluated 2024-05-14.

Conditions:
Hereditary cancer-predisposing syndrome. Also called: Hereditary Cancer Syndrome; Neoplastic Syndromes, Hereditary; Tumor predisposition; Hereditary neoplastic syndrome. Identifiers: Orphanet 140162, MedGen C0027672, MeSH D009386, MONDO:0015356.
Familial cancer of breast. Also called: BREAST CANCER, FAMILIAL; Hereditary breast cancer; hereditary breast carcinoma. Identifiers: Orphanet 227535, MedGen C0346153, MONDO:0016419, OMIM 114480. Disease mechanism: loss of function.
Ataxia-telangiectasia syndrome (AT). Also called: Ataxia-telangiectasia, complementation group D; AT, COMPLEMENTATION GROUP C; ATAXIA-TELANGIECTASIA, COMPLEMENTATION GROUP A; ATAXIA-TELANGIECTASIA, FRESNO VARIANT; Ataxia-telangiectasia; LOUIS-BAR SYNDROME. Identifiers: Orphanet 100, MedGen C0004135, MONDO:0008840, OMIM 208900.

gnomAD v4.1: 1 of 1,614,110 alleles (0.000062%); highest among the groups gnomAD compares: Non-Finnish European, 0.000085%; no homozygotes.

Submissions (3):

Myriad Genetics, Inc.
Classification: Benign for Familial cancer of breast. Last evaluated: 2024-05-14. Review status: criteria provided, single submitter. Criteria: Myriad Autosomal Dominant, Autosomal Recessive and X-Linked Classification Criteria (2023). Collection method: clinical testing. Allele origin: unknown.
Comment: This variant is considered benign. This variant is a silent/synonymous amino acid change and it is not expected to impact splicing.

Labcorp Genetics (formerly Invitae), Labcorp
Classification: Likely benign for Ataxia-telangiectasia syndrome. Last evaluated: 2019-03-05. Review status: criteria provided, single submitter. Criteria: Invitae Variant Classification Sherloc (09022015). Collection method: clinical testing. Allele origin: germline.

Ambry Genetics
Classification: Likely benign for Hereditary cancer-predisposing syndrome. Last evaluated: 2014-11-06. Review status: criteria provided, single submitter. Criteria: Ambry Variant Classification Scheme 2023. Collection method: clinical testing. Allele origin: germline.

NM_000051.4(ATM):c.3213T>C (p.Asn1071=)

Gene: ATM (ATM serine/threonine kinase; plus strand). Cytogenetic location: 11q22.3.
Variant type: single nucleotide variant.
Coding change: c.3213T>C on transcript NM_000051.4 (MANE Select); coding-DNA position 3213, T replaced by C.
Protein change: p.Asn1071=; no amino-acid change (asparagine 1071 retained).
Molecular consequence: synonymous variant.
Genome position (GRCh38, 1-based): chr11:108,272,781, T>C. VCF-style: chr11-108272781-T-C. GRCh37 (hg19) VCF-style: chr11-108143508-T-C.
Other names: c.3213T>C, p.Asn1071= (NM_001351834.2).
Identifiers: ClinVar variation 186789 (VCV000186789.17), dbSNP rs786203221, ClinGen allele CA195873.
Genomic context (GRCh38, chr11:108,272,781, plus strand): 5'-GGCTGATCCTTATTCAAAATGGGCCATTCTTAATGTAATGGGAAAAGACTTTCCTGTAAA[T>C]GAAGTATTTACACAATTTCTTGCTGACAATCATCACCAAGTTCGCATGTTGGCTGCAGAG-3'
Protein context (NP_000042.3, residues 1061-1081): LNVMGKDFPV[Asn1071=]EVFTQFLADN